The following is an entry in ClinVar:

NM_007327.4(GRIN1):c.1566G>A (p.Glu522=)

Gene: GRIN1 (glutamate ionotropic receptor NMDA type subunit 1; plus strand). Cytogenetic location: 9q34.3.
Variant type: single nucleotide variant.
Coding change: c.1566G>A on transcript NM_007327.4 (MANE Select); coding-DNA position 1566, G replaced by A.
Protein change: p.Glu522=; no amino-acid change (glutamic acid 522 retained).
Molecular consequence: synonymous variant.
Genome position (GRCh38, 1-based): chr9:137,162,022, G>A. VCF-style: chr9-137162022-G-A. GRCh37 (hg19) VCF-style: chr9-140056474-G-A.
Other names: c.1566G>A, p.Glu522= (NM_000832.7, NM_021569.4); c.1629G>A, p.Glu543= (NM_001185090.2, NM_001185091.2).
Identifiers: ClinVar variation 1657533 (VCV001657533.35), dbSNP rs200342470, ClinGen allele CA5360964.

ClinVar aggregate classification (germline): Likely benign. Review status: criteria provided, multiple submitters, no conflicts (2 of 4 stars). 4 submissions from 4 submitters: Likely benign (3). 1 of the submissions does not count toward it. Last evaluated 2023-09-27.

Conditions:
Inborn genetic diseases. Identifiers: MedGen C0950123, MeSH D030342.
Neurodevelopmental disorder with or without hyperkinetic movements and seizures, autosomal dominant. Also called: Intellectual disability, autosomal dominant 8. Identifiers: MedGen C3280282, MONDO:0013655, OMIM 614254.
GRIN1-related disorder. Also called: GRIN1-related condition.

Allele frequency attached by ClinVar (database versions not stated): gnomAD 0.00001; TOPMed 0.00001.
gnomAD v4.1: 16 of 1,555,942 alleles (0.001%); highest among the groups gnomAD compares: Non-Finnish European, 0.0014%; no homozygotes.

Submissions (4):

Labcorp Genetics (formerly Invitae), Labcorp
Classification: Likely benign for Neurodevelopmental disorder with or without hyperkinetic movements and seizures, autosomal dominant. Last evaluated: 2023-09-27. Review status: criteria provided, single submitter. Criteria: Invitae Variant Classification Sherloc (09022015). Collection method: clinical testing. Allele origin: germline.

CeGaT Center for Human Genetics Tuebingen
Classification: Likely benign. Last evaluated: 2022-07-01. Review status: criteria provided, single submitter. Criteria: CeGaT Center For Human Genetics Tuebingen Variant Classification Criteria Version 2. Collection method: clinical testing. Allele origin: germline. Affected: yes. Observed: 1 variant allele.
Comment: GRIN1: BP4, BP7

Ambry Genetics
Classification: Likely benign for Inborn genetic diseases. Last evaluated: 2018-04-18. Review status: criteria provided, single submitter. Criteria: Ambry Variant Classification Scheme 2023. Collection method: clinical testing. Allele origin: germline.

PreventionGenetics, part of Exact Sciences
Classification: Likely benign for GRIN1-related condition. Last evaluated: 2019-03-25. Review status: no assertion criteria provided. Collection method: clinical testing. Allele origin: germline. Not counted in ClinVar's aggregate classification.
Comment: This variant is classified as likely benign based on ACMG/AMP sequence variant interpretation guidelines (Richards et al. 2015 PMID: 25741868, with internal and published modifications).